The following is an entry in ClinVar:

NM_001382347.1(MYO5A):c.1711A>G (p.Thr571Ala)

Gene: MYO5A (myosin VA; minus strand). Cytogenetic location: 15q21.2.
Variant type: single nucleotide variant.
Coding change: c.1711A>G on transcript NM_001382347.1 (MANE Select); coding-DNA position 1711, A replaced by G.
Protein change: p.Thr571Ala; replaces threonine 571 with alanine.
Molecular consequence: missense variant.
Genome position (GRCh38, 1-based): chr15:52,387,870, T>C on the plus strand (A>G on the coding strand, the complement: MYO5A is on the minus strand). VCF-style: chr15-52387870-T-C. GRCh37 (hg19) VCF-style: chr15-52680067-T-C.
Other names: c.1711A>G, p.Thr571Ala (NM_000259.3, NM_001142495.2, NM_001411135.1); c.1783A>G, p.Thr595Ala (NM_001382348.1, NM_001382349.1); short protein forms T571A, T595A.
Identifiers: ClinVar variation 2228507 (VCV002228507.2), dbSNP rs2042035488, ClinGen allele CA392523185.

ClinVar aggregate classification (germline): Uncertain significance (1 of 4 stars; one submission).

Conditions:
Inborn genetic diseases. Identifiers: MedGen C0950123, MeSH D030342.

Allele frequency attached by ClinVar (database versions not stated): gnomAD exomes below 0.00001; gnomAD 0.00001; TOPMed 0.00001.
gnomAD v4.1: 4 of 1,612,574 alleles (0.00025%); highest among the groups gnomAD compares: African/African-American, 0.004%; no homozygotes.

Submission:

Ambry Genetics
Classification: Uncertain significance for Inborn genetic diseases. Last evaluated: 2020-12-28. Review status: criteria provided, single submitter. Criteria: Ambry Variant Classification Scheme 2023. Collection method: clinical testing. Allele origin: germline.
Comment: The c.1711A>G (p.T571A) alteration is located in exon 14 (coding exon 14) of the MYO5A gene. This alteration results from a A to G substitution at nucleotide position 1711, causing the threonine (T) at amino acid position 571 to be replaced by an alanine (A). The in silico prediction for the p.T571A alteration is inconclusive. Based on insufficient or conflicting evidence, the clinical significance of this alteration remains unclear.